The following is an entry in ClinVar:

ClinVar aggregate classification (germline): Likely pathogenic (1 of 4 stars; one submission).

Conditions:
HYPERHOMOCYSTEINEMIA, THROMBOTIC, CBS-RELATED. Identifiers: MedGen C3150344, OMIM 236200.

Submission:

Labcorp Genetics (formerly Invitae), Labcorp
Classification: Likely pathogenic for HYPERHOMOCYSTEINEMIA, THROMBOTIC, CBS-RELATED. Last evaluated: 2023-12-03. Review status: criteria provided, single submitter. Criteria: Invitae Variant Classification Sherloc (09022015). Collection method: clinical testing. Allele origin: germline.
Comment: This sequence change replaces arginine, which is basic and polar, with glycine, which is neutral and non-polar, at codon 379 of the CBS protein (p.Arg379Gly). This variant is not present in population databases (gnomAD no frequency). This variant has not been reported in the literature in individuals affected with CBS-related conditions. Advanced modeling of protein sequence and biophysical properties (such as structural, functional, and spatial information, amino acid conservation, physicochemical variation, residue mobility, and thermodynamic stability) performed at Invitae indicates that this missense variant is expected to disrupt CBS protein function with a positive predictive value of 95%. This variant disrupts the p.Arg379 amino acid residue in CBS. Other variant(s) that disrupt this residue have been determined to be pathogenic (PMID: 12815602, 16479318, 21520339). This suggests that this residue is clinically significant, and that variants that disrupt this residue are likely to be disease-causing. In summary, the currently available evidence indicates that the variant is pathogenic, but additional data are needed to prove that conclusively. Therefore, this variant has been classified as Likely Pathogenic.

Literature cited by the submitters: PubMed 12815602; PubMed 16479318; PubMed 21520339.

NM_000071.3(CBS):c.1135C>G (p.Arg379Gly)

Gene: CBS (cystathionine beta-synthase; minus strand). Cytogenetic location: 21q22.3.
Variant type: single nucleotide variant.
Coding change: c.1135C>G on transcript NM_000071.3 (MANE Select); coding-DNA position 1135, C replaced by G.
Protein change: p.Arg379Gly; replaces arginine 379 with glycine.
Molecular consequence: missense variant.
Genome position (GRCh38, 1-based): chr21:43,060,451, G>C on the plus strand (C>G on the coding strand, the complement: CBS is on the minus strand). VCF-style: chr21-43060451-G-C. GRCh37 (hg19) VCF-style: chr21-44480561-G-C.
Other names: c.1135C>G, p.Arg379Gly (NM_001178008.3, NM_001178009.3, NM_001320298.2); c.820C>G, p.Arg274Gly (NM_001321072.1); short protein forms R274G, R379G.
Identifiers: ClinVar variation 2914322 (VCV002914322.3), dbSNP rs769080151, ClinGen allele CA410397962.